The following is an entry in ClinVar:

ClinVar aggregate classification (germline): Conflicting classifications of pathogenicity. Review status: criteria provided, conflicting classifications (1 of 4 stars). 4 submissions from 4 submitters: Uncertain significance (2); Likely benign (2). Last evaluated 2024-11-04.

Conditions:
Cardiovascular phenotype. Identifiers: MedGen CN230736.
Alstrom syndrome (ALMS). Identifiers: Orphanet 64, MedGen C0268425, MONDO:0008763, OMIM 203800.

Allele frequency attached by ClinVar (database versions not stated): TOPMed below 0.00001; gnomAD 0.00003; gnomAD exomes 0.00011 and 0.00019; ExAC 0.00014.
gnomAD v4.1: 160 of 1,613,986 alleles (0.0099%); highest among the groups gnomAD compares: South Asian, 0.17%; 1 homozygote.

Submissions (4):

Blueprint Genetics
Classification: Likely benign. Last evaluated: 2024-11-04. Review status: criteria provided, single submitter. Criteria: ACMG Guidelines, 2015. Collection method: clinical testing. Allele origin: germline.

Ambry Genetics
Classification: Likely benign for Cardiovascular phenotype. Last evaluated: 2023-01-06. Review status: criteria provided, single submitter. Criteria: Ambry Variant Classification Scheme 2023. Collection method: clinical testing. Allele origin: germline.

Labcorp Genetics (formerly Invitae), Labcorp
Classification: Uncertain significance for Alstrom syndrome. Last evaluated: 2022-06-27. Review status: criteria provided, single submitter. Criteria: Invitae Variant Classification Sherloc (09022015). Collection method: clinical testing. Allele origin: germline.
Comment: This sequence change replaces glutamine, which is neutral and polar, with lysine, which is basic and polar, at codon 1100 of the ALMS1 protein (p.Gln1100Lys). This variant is present in population databases (rs764823951, gnomAD 0.2%). This variant has not been reported in the literature in individuals affected with ALMS1-related conditions. Algorithms developed to predict the effect of missense changes on protein structure and function output the following: SIFT: "Not Available"; PolyPhen-2: "Not Available"; Align-GVGD: "Not Available". The lysine amino acid residue is found in multiple mammalian species, which suggests that this missense change does not adversely affect protein function. In summary, the available evidence is currently insufficient to determine the role of this variant in disease. Therefore, it has been classified as a Variant of Uncertain Significance.

Fulgent Genetics
Classification: Uncertain significance for Alstrom syndrome. Last evaluated: 2021-09-15. Review status: criteria provided, single submitter. Criteria: ACMG Guidelines, 2015. Collection method: clinical testing. Allele origin: unknown.

NM_001378454.1(ALMS1):c.3295C>A (p.Gln1099Lys)

Gene: ALMS1 (ALMS1 centrosome and basal body associated protein; plus strand). Cytogenetic location: 2p13.1.
Variant type: single nucleotide variant.
Coding change: c.3295C>A on transcript NM_001378454.1 (MANE Select); coding-DNA position 3295, C replaced by A.
Protein change: p.Gln1099Lys; replaces glutamine 1099 with lysine.
Molecular consequence: missense variant.
Genome position (GRCh38, 1-based): chr2:73,449,822, C>A. VCF-style: chr2-73449822-C-A. GRCh37 (hg19) VCF-style: chr2-73676949-C-A.
Other names: c.3298C>A, p.Gln1100Lys (NM_015120.4); short protein forms Q1100K, Q1099K.
Identifiers: ClinVar variation 1448308 (VCV001448308.6), dbSNP rs764823951, ClinGen allele CA1713497.